The following is an entry in ClinVar:

ClinVar aggregate classification (germline): Uncertain significance (1 of 4 stars; one submission).

Conditions:
Focal segmental glomerulosclerosis 9 (FSGS9). Identifiers: Orphanet 656, MedGen C4015555, MONDO:0014539, OMIM 616220.

gnomAD v4.1: 1 of 1,612,542 alleles (0.000062%); highest among the groups gnomAD compares: Non-Finnish European, 0.000085%; no homozygotes.

Submission:

3billion
Classification: Uncertain significance for Focal segmental glomerulosclerosis 9. Last evaluated: 2025-09-04. Review status: criteria provided, single submitter. Criteria: ACMG Guidelines, 2015. Collection method: clinical testing. Allele origin: germline. Affected: yes.
Comment: The variant is observed at an extremely low frequency in the gnomAD v4.1.0 dataset (total allele frequency: <0.001%). Predicted Consequence/Location: Missense variant predicted to alter splicing In silico tools predict the variant to alter splicing and produce an abnormal transcript [SpliceAI: 0.34 (>=0.2, moderate evidence for spliceogenicity)]. Therefore, this variant is classified as VUS according to the recommendation of ACMG/AMP guideline.

NM_173689.7(CRB2):c.3532G>A (p.Glu1178Lys)

Gene: CRB2 (crumbs cell polarity complex component 2; plus strand). Cytogenetic location: 9q33.3.
Variant type: single nucleotide variant.
Coding change: c.3532G>A on transcript NM_173689.7 (MANE Select); coding-DNA position 3532, G replaced by A.
Protein change: p.Glu1178Lys; replaces glutamic acid 1178 with lysine.
Molecular consequence: missense variant. On other transcripts: non-coding transcript variant (1).
Genome position (GRCh38, 1-based): chr9:123,375,242, G>A. VCF-style: chr9-123375242-G-A. GRCh37 (hg19) VCF-style: chr9-126137521-G-A.
Other names: short protein forms E1178K.
Identifiers: ClinVar variation 4853873 (VCV004853873.1).
Genomic context (GRCh38, chr9:123,375,242, plus strand): 5'-GGGAAGCCGCTTTCTCAGCCCCCCTCCCTCTCCAGGTGTCAGGTCCCCACTCTCCCCTGT[G>A]AAGCCAACCCCTGCTTGAATGGGGGCACCTGCCGGGCAGCTGGAGGGGTGTCTGAATGTA-3'
Protein context (NP_775960.4, residues 1168-1188): QRCQVPTLPC[Glu1178Lys]ANPCLNGGTC